The following is an entry in ClinVar:

ClinVar aggregate classification (germline): Uncertain significance (1 of 4 stars; one submission).

Submission:

Labcorp Genetics (formerly Invitae), Labcorp
Classification: Uncertain significance. Last evaluated: 2023-06-30. Review status: criteria provided, single submitter. Criteria: Invitae Variant Classification Sherloc (09022015). Collection method: clinical testing. Allele origin: germline.
Comment: An algorithm developed to predict the effect of missense changes on protein structure and function (PolyPhen-2) suggests that this variant is likely to be disruptive. In summary, the available evidence is currently insufficient to determine the role of this variant in disease. Therefore, it has been classified as a Variant of Uncertain Significance. ClinVar contains an entry for this variant (Variation ID: 1357835). This sequence change replaces alanine, which is neutral and non-polar, with glycine, which is neutral and non-polar, at codon 433 of the ITGAM protein (p.Ala433Gly). This variant is not present in population databases (gnomAD no frequency). This variant has not been reported in the literature in individuals affected with ITGAM-related conditions.

NM_000632.4(ITGAM):c.1298C>G (p.Ala433Gly)

Gene: ITGAM (integrin subunit alpha M; plus strand). Cytogenetic location: 16p11.2.
Variant type: single nucleotide variant.
Coding change: c.1298C>G on transcript NM_000632.4 (MANE Select); coding-DNA position 1298, C replaced by G.
Protein change: p.Ala433Gly; replaces alanine 433 with glycine.
Molecular consequence: missense variant.
Genome position (GRCh38, 1-based): chr16:31,278,051, C>G. VCF-style: chr16-31278051-C-G. GRCh37 (hg19) VCF-style: chr16-31289372-C-G.
Other names: c.1298C>G, p.Ala433Gly (NM_001145808.2); short protein forms A433G.
Identifiers: ClinVar variation 1357835 (VCV001357835.8), dbSNP rs558845660, ClinGen allele CA395702436.